The following is an entry in ClinVar:

NM_004807.3(HS6ST1):c.75G>A (p.Ser25=)

Gene: HS6ST1 (heparan sulfate 6-O-sulfotransferase 1; minus strand). Cytogenetic location: 2q14.3.
Variant type: single nucleotide variant.
Coding change: c.75G>A on transcript NM_004807.3 (MANE Select); coding-DNA position 75, G replaced by A.
Protein change: p.Ser25=; no amino-acid change (serine 25 retained).
Molecular consequence: synonymous variant.
Genome position (GRCh38, 1-based): chr2:128,318,489, C>T on the plus strand (G>A on the coding strand, the complement: HS6ST1 is on the minus strand). VCF-style: chr2-128318489-C-T. GRCh37 (hg19) VCF-style: chr2-129076063-C-T.
Identifiers: ClinVar variation 3032526 (VCV003032526.3), dbSNP rs370007456, ClinGen allele CA1867696.
Genomic context (GRCh38, chr2:128,318,489, plus strand): 5'-GGGCGCGCCCAGGCTCAGTCCTGGGCCCGCGTACTGGTACAAGATGAGCATGAAGCACAC[C>T]GAGCCCGCCACCACCAGCACGAACTTGCTGGCGCGCTCAACCATGGTCCTGCCGCCGGCG-3'
Protein context (NP_004798.3, residues 15-35): ASKFVLVVAG[Ser25=]VCFMLILYQY

ClinVar aggregate classification (germline): Likely benign. Review status: criteria provided, single submitter (1 of 4 stars). 2 submissions from 2 submitters: Likely benign (1). 1 of the submissions does not count toward it. Last evaluated 2024-02-16.

Conditions:
HS6ST1-related disorder. Also called: HS6ST1-related condition.

gnomAD v4.1: 38 of 1,549,870 alleles (0.0025%); highest among the groups gnomAD compares: Non-Finnish European, 0.0032%; no homozygotes.

Submissions (2):

Blueprint Genetics
Classification: Likely benign. Last evaluated: 2024-02-16. Review status: criteria provided, single submitter. Criteria: ACMG Guidelines, 2015. Collection method: clinical testing. Allele origin: germline.

PreventionGenetics, part of Exact Sciences
Classification: Likely benign for HS6ST1-related condition. Last evaluated: 2020-10-06. Review status: no assertion criteria provided. Collection method: clinical testing. Allele origin: germline. Not counted in ClinVar's aggregate classification.
Comment: This variant is classified as likely benign based on ACMG/AMP sequence variant interpretation guidelines (Richards et al. 2015 PMID: 25741868, with internal and published modifications).